The following is an entry in ClinVar:

ClinVar aggregate classification (germline): Uncertain significance (1 of 4 stars; one submission).

Conditions:
Charcot-Marie-Tooth disease type 2. Also called: Charcot-Marie-Tooth type 2. Identifiers: Orphanet 64746, MedGen C0270914, MONDO:0018993.

gnomAD v4.1: 13 of 1,614,106 alleles (0.00081%); highest among the groups gnomAD compares: Middle Eastern, 0.033%; no homozygotes.

Submission:

Labcorp Genetics (formerly Invitae), Labcorp
Classification: Uncertain significance for Charcot-Marie-Tooth disease type 2. Last evaluated: 2024-07-03. Review status: criteria provided, single submitter. Criteria: Invitae Variant Classification Sherloc (09022015). Collection method: clinical testing. Allele origin: germline.
Comment: This sequence change replaces arginine, which is basic and polar, with tryptophan, which is neutral and slightly polar, at codon 693 of the GARS protein (p.Arg693Trp). This variant is present in population databases (rs753078831, gnomAD 0.006%). This missense change has been observed in individual(s) with amyotrophic lateral sclerosis (PMID: 34275688). This variant is also known as c.C1915T:p.R639W. Advanced modeling of protein sequence and biophysical properties (such as structural, functional, and spatial information, amino acid conservation, physicochemical variation, residue mobility, and thermodynamic stability) performed at Invitae indicates that this missense variant is not expected to disrupt GARS protein function with a negative predictive value of 80%. In summary, the available evidence is currently insufficient to determine the role of this variant in disease. Therefore, it has been classified as a Variant of Uncertain Significance.

Literature cited by the submitters: PubMed 34275688.

NM_002047.4(GARS1):c.2077C>T (p.Arg693Trp)

Gene: GARS1 (glycyl-tRNA synthetase 1; plus strand). Cytogenetic location: 7p14.3.
Variant type: single nucleotide variant.
Coding change: c.2077C>T on transcript NM_002047.4 (MANE Select); coding-DNA position 2077, C replaced by T.
Protein change: p.Arg693Trp; replaces arginine 693 with tryptophan.
Molecular consequence: missense variant.
Genome position (GRCh38, 1-based): chr7:30,632,420, C>T. VCF-style: chr7-30632420-C-T. GRCh37 (hg19) VCF-style: chr7-30672036-C-T.
Other names: c.1915C>T, p.Arg639Trp (NM_001316772.1); short protein forms R639W, R693W.
Identifiers: ClinVar variation 3616508 (VCV003616508.2).